The following is an entry in ClinVar:

ClinVar aggregate classification (germline): Uncertain significance (1 of 4 stars; one submission).

Conditions:
Familial melanoma. Also called: Hereditary melanoma; Hereditary cutaneous melanoma. Identifiers: Orphanet 618, MedGen C1512419, MONDO:0018961.

Submission:

Labcorp Genetics (formerly Invitae), Labcorp
Classification: Uncertain significance for Familial melanoma. Last evaluated: 2022-07-05. Review status: criteria provided, single submitter. Criteria: Invitae Variant Classification Sherloc (09022015). Collection method: clinical testing. Allele origin: germline.
Comment: In summary, the available evidence is currently insufficient to determine the role of this variant in disease. Therefore, it has been classified as a Variant of Uncertain Significance. Experimental studies have shown that this missense change affects CDKN2A (p16INK4a) function (PMID: 9660926). Algorithms developed to predict the effect of missense changes on protein structure and function (SIFT, PolyPhen-2, Align-GVGD) all suggest that this variant is likely to be tolerated. This variant has not been reported in the literature in individuals affected with CDKN2A (p16INK4a)-related conditions. This variant is not present in population databases (gnomAD no frequency). This sequence change replaces histidine, which is basic and polar, with arginine, which is basic and polar, at codon 98 of the CDKN2A (p16INK4a) protein (p.His98Arg).

Literature cited by the submitters: PubMed 9660926.

NM_000077.5(CDKN2A):c.293A>G (p.His98Arg)

Gene: CDKN2A (cyclin dependent kinase inhibitor 2A; minus strand). Cytogenetic location: 9p21.3.
Variant type: single nucleotide variant.
Coding change: c.293A>G on transcript NM_000077.5; coding-DNA position 293, A replaced by G.
Protein change: p.His98Arg; replaces histidine 98 with arginine.
Molecular consequence: missense variant (on NM_000077.6). On other transcripts: synonymous variant (1), 3 prime UTR variant (1).
Genome position (GRCh38, 1-based): chr9:21,971,066, T>C on the plus strand (A>G on the coding strand, the complement: CDKN2A is on the minus strand). VCF-style: chr9-21971066-T-C. GRCh37 (hg19) VCF-style: chr9-21971065-T-C.
Other names: c.293A>G, p.His98Arg (NM_000077.6, NM_001195132.2); c.140A>G, p.His47Arg (NM_001363763.2); c.336A>G, p.Ala112= (NM_058195.4); c.*216A>G (NM_058197.5); short protein forms H98R, H47R.
Identifiers: ClinVar variation 2151380 (VCV002151380.4), dbSNP rs2489275004, ClinGen allele CA373086121.